The following is an entry in ClinVar:

NM_181523.3(PIK3R1):c.406G>T (p.Val136Leu)

Gene: PIK3R1 (phosphoinositide-3-kinase regulatory subunit 1; plus strand). Cytogenetic location: 5q13.1.
Variant type: single nucleotide variant.
Coding change: c.406G>T on transcript NM_181523.3 (MANE Select); coding-DNA position 406, G replaced by T.
Protein change: p.Val136Leu; replaces valine 136 with leucine.
Molecular consequence: missense variant.
Genome position (GRCh38, 1-based): chr5:68,273,461, G>T. VCF-style: chr5-68273461-G-T. GRCh37 (hg19) VCF-style: chr5-67569289-G-T.
Other names: short protein forms V136L.
Identifiers: ClinVar variation 4790398 (VCV004790398.1).

ClinVar aggregate classification (germline): Uncertain significance (1 of 4 stars; one submission).

Conditions:
Agammaglobulinemia 7, autosomal recessive (AGM7). Also called: AGAMMAGLOBULINEMIA, AUTOSOMAL RECESSIVE, DUE TO PIK3R1 DEFECT. Identifiers: MedGen C3554689, MONDO:0014083, OMIM 615214.
SHORT syndrome. Also called: SHORT STATURE, HYPEREXTENSIBILITY, HERNIA, OCULAR DEPRESSION, RIEGER ANOMALY, AND TEETHING DELAY; LIPODYSTROPHY, PARTIAL, WITH RIEGER ANOMALY AND SHORT STATURE; PIK3R1-Related SHORT Syndrome. Identifiers: Orphanet 3163, MedGen C0878684, MONDO:0010026, OMIM 269880.
Immunodeficiency 36 with lymphoproliferation. Also called: Immunodeficiency 36; Activated PI3K Delta Syndrome Type 2 (APDS2); ACTIVATED PI3K-DELTA SYNDROME 2. Identifiers: Orphanet 397596, Orphanet 693681, MedGen C4014934, MONDO:0014453, OMIM 616005.

Submission:

Labcorp Genetics (formerly Invitae), Labcorp
Classification: Uncertain significance for SHORT syndrome; Immunodeficiency 36 with lymphoproliferation; Agammaglobulinemia 7, autosomal recessive. Last evaluated: 2025-04-20. Review status: criteria provided, single submitter. Criteria: Invitae Variant Classification Sherloc (09022015). Collection method: clinical testing. Allele origin: germline.
Comment: This sequence change replaces valine, which is neutral and non-polar, with leucine, which is neutral and non-polar, at codon 136 of the PIK3R1 protein (p.Val136Leu). This variant is present in population databases (no rsID available, gnomAD 0.0009%). This variant has not been reported in the literature in individuals affected with PIK3R1-related conditions. An algorithm developed to predict the effect of missense changes on protein structure and function outputs the following: PolyPhen-2: "Benign". The leucine amino acid residue is found in multiple mammalian species, which suggests that this missense change does not adversely affect protein function. In summary, the available evidence is currently insufficient to determine the role of this variant in disease. Therefore, it has been classified as a Variant of Uncertain Significance.